The following is an entry in ClinVar:

ClinVar aggregate classification (germline): Uncertain significance (1 of 4 stars; one submission).

gnomAD v4.1: 1 of 1,613,800 alleles (0.000062%); highest among the groups gnomAD compares: Non-Finnish European, 0.000085%; no homozygotes.

Submission:

GeneDx
Classification: Uncertain significance. Last evaluated: 2026-04-23. Review status: criteria provided, single submitter. Criteria: GeneDx Variant Classification Process June 2021. Collection method: clinical testing. Allele origin: germline.
Comment: Not observed at significant frequency in large population cohorts (gnomAD); In silico analysis suggests that this missense variant does not alter protein structure/function; Has not been previously published as pathogenic or benign to our knowledge

NM_001134407.3(GRIN2A):c.3442C>T (p.Pro1148Ser)

Gene: GRIN2A (glutamate ionotropic receptor NMDA type subunit 2A; minus strand). Cytogenetic location: 16p13.2.
Variant type: single nucleotide variant.
Coding change: c.3442C>T on transcript NM_001134407.3 (MANE Select); coding-DNA position 3442, C replaced by T.
Protein change: p.Pro1148Ser; replaces proline 1148 with serine.
Molecular consequence: missense variant.
Genome position (GRCh38, 1-based): chr16:9,764,102, G>A on the plus strand (C>T on the coding strand, the complement: GRIN2A is on the minus strand). VCF-style: chr16-9764102-G-A. GRCh37 (hg19) VCF-style: chr16-9857959-G-A.
Other names: c.3442C>T, p.Pro1148Ser (NM_000833.5, NM_001134408.2); short protein forms P1148S.
Identifiers: ClinVar variation 5037612 (VCV005037612.1).
Genomic context (GRCh38, chr16:9,764,102, plus strand): 5'-TCATTGGCAGCGTGGAGTCCCCCTTGCGGAAGTTTTCACTGGGATCCTGGTAGGGGTCCG[G>A]GAAGTCCACGTTCTCGGGCAGGGTCACATTTTCAACAAACTGGGGTGGATCTAAGTGGAA-3'
Protein context (NP_001127879.1, residues 1138-1158): NVTLPENVDF[Pro1148Ser]DPYQDPSENF